The following continues an entry in ClinVar:

NM_024818.6(UBA5):c.1111G>A (p.Ala371Thr)

ClinVar aggregate classification (germline): Pathogenic/Likely pathogenic/Pathogenic, low penetrance. Pathogenic (26); Likely pathogenic (1); Pathogenic, low penetrance (1).

Submissions 21 to 33 of 33:

Pittsburgh Clinical Genomics Laboratory, University of Pittsburgh Medical Center
Classification: Pathogenic for Developmental and epileptic encephalopathy, 44. Last evaluated: 2022-04-11. Review status: criteria provided, single submitter. Criteria: ACMG Guidelines, 2015. Collection method: clinical testing. Allele origin: germline. Inheritance: Autosomal recessive inheritance. Affected: yes.
Comment: This sequence variant is a single nucleotide substitution (G>A) that results in an alanine to threonine amino acid substitution at position 371 of the UBA5 protein. This is a previously reported variant (ClinVar) that is found in control population datasets (gnomAD database 517/274744 alleles or 0.18%) at a level consistent with carrier status for an Autosomal recessive inheritance disease. This variant is observed as a compound heterozygous variant in individuals with UBA5-related disease and segregates with affected family members (PMID: 29286531, 28965491, 27545674). Bioinformatic tools predict that this variant would be damaging and the Ala371 residue is highly conserved across the vertebrate species examined. Functiol alysis suggests that this is a hypomorphic allele in which the protein produced by this variant retains its interaction with UFM1 but reduces the trans-esterification of UFM1 to UFC1 (PMID: 27545681, 33811063). Consistent with this, individuals homozygous for this variant are reported to be uffected (PMID: 28965491). Because this variant is reported as compound heterozygous in affected individuals for a recessive disorder, we consider this variant to be pathogenic. ACMG Criteria: PM3, PP1, PS3

Fulgent Genetics
Classification: Pathogenic for Developmental and epileptic encephalopathy, 44; Spinocerebellar ataxia, autosomal recessive 24. Last evaluated: 2022-01-28. Review status: criteria provided, single submitter. Criteria: ACMG Guidelines, 2015. Collection method: clinical testing. Allele origin: unknown.

Cambridge Genomics Laboratory, East Genomic Laboratory Hub, NHS Genomic Medicine Service
Classification: Pathogenic for Intellectual disability. Last evaluated: 2019-07-23. Review status: criteria provided, single submitter. Criteria: ACGS Best Practice Guidelines for Variant Classification in Rare Disease 2020. Collection method: clinical testing. Allele origin: germline. Affected: yes. Observed: 1 variant allele.

Genetic Services Laboratory, University of Chicago
Classification: Pathogenic. Last evaluated: 2019-01-16. Review status: criteria provided, single submitter. Criteria: ACMG Guidelines, 2015. Collection method: clinical testing. Allele origin: germline. Affected: yes.

Laboratory for Molecular Medicine, Mass General Brigham Personalized Medicine
Classification: Pathogenic for Early infantile epileptic encephalopathy. Last evaluated: 2018-12-06. Review status: criteria provided, single submitter. Criteria: LMM Criteria. Collection method: clinical testing. Allele origin: germline. Inheritance: Autosomal recessive inheritance. Observed: 2 variant alleles.
Comment: The p.Ala371Thr variant in UBA5 has been reported in a compound heterozygous sta te with a loss-of-function variant in 6 probands with early infantile epileptic encephalopathy and segregated with disease in 4 additional affected relatives (M uona 2016, Colin 2016). Two additional probands and one additional sib have been identified with either missense or silent with suspected splice effects in tran s with this variant (Muona 2016, Arnadottir 2017). While several homozygous indi viduals without neurological symptoms into adulthood have been reported in the l iterature (Colin 2016, Arnadottir 2017), functional assays demonstrating an inte rmediate enzyme activity compared to loss-of-function variants and controls supp ort the conclusion that this variant is a hypomorphic allele with a low risk of phenotypic effect in a homozygous state (Muona 2016, Colin 2016). In summary, th is variant meets criteria to be classified as pathogenic for early infantile epi leptic encephalopathyin an autosomal recessive manner based upon case counts, se gregation studies, and functional evidence. ACMG/AMP Criteria applied: PM3_VeryS trong, PP1_Moderate, PS3_Supporting.

Undiagnosed Diseases Network, NIH
Classification: Pathogenic for Developmental and epileptic encephalopathy, 44; Spinocerebellar ataxia, autosomal recessive 24. Last evaluated: 2018-05-21. Review status: criteria provided, single submitter. Criteria: ACMG Guidelines, 2015. Collection method: clinical testing. Allele origin: paternal. Inheritance: Autosomal recessive inheritance. Affected: yes. Observed: 1 variant allele, 1 compound heterozygote.
Comment: This variant has been described in multiple other cases in the literature and has been shown to be hypomorphic.

Undiagnosed Diseases Network, NIH
Classification: Pathogenic for Developmental and epileptic encephalopathy, 44. Last evaluated: 2017-02-15. Review status: criteria provided, single submitter. Criteria: ACMG Guidelines, 2015. Collection method: clinical testing. Allele origin: maternal. Inheritance: Autosomal recessive inheritance. Affected: yes. Observed: 1 variant allele, 1 compound heterozygote.
Comment: This variant in compound heterozygosity with another pathogenic variant has been previously reported as disease causing in multiple unrelated patients affected with early infantile epileptic encephalopathy [PMID 27545681, 27545681]. In combination with data from in vitro functional studies, the c.1111G>A (p.A371T) variant was suggested to act as a hypomorphic allele [PMID 27545681]. ACMG criteria applied: PS1, PS3, PM2, PM3, PP3, PP4, BS2.

Broad Center for Mendelian Genomics, Broad Institute of MIT and Harvard
Classification: Pathogenic for Developmental and epileptic encephalopathy, 44. Review status: criteria provided, single submitter. Criteria: ACMG Guidelines, 2015. Collection method: research. Allele origin: germline. Inheritance: Autosomal recessive inheritance. Affected: yes. Observed: 1 variant allele, 1 compound heterozygote. Study: Broad Institute Center for Mendelian Genomics (CMG).
Comment: The p.Ala371Thr variant has been reported in the literature in 11 individuals across 7 families (Colin 2016, Muona 2016). Of note, all of these individuals were compound heterozygous with a loss-of-function variant. This variant has been identified in 0.58% (148/25672, no homozygotes) of Finnish chromosomes by the Genome Aggregation Database (gnomAD; dbSNP rs114925667). Although this variant has been seen in the general population, its frequency is low enough to be consistent with a recessive carrier frequency. This variant is pathogenic.

OMIM
Classification: Pathogenic for DEVELOPMENTAL AND EPILEPTIC ENCEPHALOPATHY 44. Last evaluated: 2020-11-19. Review status: no assertion criteria provided. Collection method: literature only. Allele origin: germline. Not counted in ClinVar's aggregate classification.

Reproductive Health Research and Development, BGI Genomics
Classification: Pathogenic for Epileptic encephalopathy, early infantile, 44. Last evaluated: 2020-01-06. Review status: no assertion criteria provided. Collection method: curation. Allele origin: germline. Not counted in ClinVar's aggregate classification.
Comment: NM_198329.2:c.943G>A in the UBA5 gene has an allele frequency of 0.006 in European (Finnish) subpopulation in the gnomAD database. This variant also known as A371T in literature. This variant in compound heterozygosity with another pathogenic variant has been previously reported as disease causing in multiple unrelated patients affected with early infantile epileptic encephalopathy (PMID: 27545681). Functional studies of A371T indicate that it results in slightly reduced activity on UFM1 activation with an attenuated ability to transfer the activated UFM1 to UFC1 (PMID: 27545681, 27545674). Pathogenic computational verdict because pathogenic predictions from DANN, DEOGEN2, EIGEN, FATHMM-MKL, M-CAP, MutationAssessor, MutationTaster, PrimateAI, REVEL and SIFT. Taken together, we interprete this variant as Pathogenic/Likely pathogenic variant. ACMG/AMP Criteria applied: PM3_Strong, PS3, PP3.

Clinical Genetics DNA and cytogenetics Diagnostics Lab, Erasmus MC, Erasmus Medical Center
Classification: Pathogenic. Review status: no assertion criteria provided. Collection method: clinical testing. Allele origin: germline. Affected: yes. Study: VKGL Data-share Consensus. Not counted in ClinVar's aggregate classification.

Genome Diagnostics Laboratory, University Medical Center Utrecht
Classification: Pathogenic. Review status: no assertion criteria provided. Collection method: clinical testing. Allele origin: germline. Affected: yes. Study: VKGL Data-share Consensus. Not counted in ClinVar's aggregate classification.

Laboratory of Diagnostic Genome Analysis, Leiden University Medical Center (LUMC)
Classification: Pathogenic. Review status: no assertion criteria provided. Collection method: clinical testing. Allele origin: germline. Affected: yes. Study: VKGL Data-share Consensus. Not counted in ClinVar's aggregate classification.

Literature cited by the submitters: PubMed 27545674 (cited by 12 submitters); PubMed 27545681 (cited by 11 submitters); PubMed 28965491 (cited by 5 submitters); PubMed 29286531 (cited by 4 submitters); PubMed 33811063 (cited by 4 submitters); 29286531 (cited by Rady Children's Institute for Genomic Medicine, Rady Children's Hospital San Diego); 28965491 (cited by Rady Children's Institute for Genomic Medicine, Rady Children's Hospital San Diego); 30287594 (cited by Rady Children's Institute for Genomic Medicine, Rady Children's Hospital San Diego); 27343026 (cited by Rady Children's Institute for Genomic Medicine, Rady Children's Hospital San Diego); PubMed 27926783 (cited by Laboratory for Molecular Medicine, Mass General Brigham Personalized Medicine).